The following is an entry in ClinVar:

NM_007294.4(BRCA1):c.79T>A (p.Cys27Ser)

Gene: BRCA1 (BRCA1 DNA repair associated; minus strand). Cytogenetic location: 17q21.31.
Variant type: single nucleotide variant.
Coding change: c.79T>A on transcript NM_007294.4 (MANE Select); coding-DNA position 79, T replaced by A.
Protein change: p.Cys27Ser; replaces cysteine 27 with serine.
Molecular consequence: missense variant. On other transcripts: 5 prime UTR variant (1), non-coding transcript variant (1).
Genome position (GRCh38, 1-based): chr17:43,124,018, A>T on the plus strand (T>A on the coding strand, the complement: BRCA1 is on the minus strand). VCF-style: chr17-43124018-A-T. GRCh37 (hg19) VCF-style: chr17-41276035-A-T.
Other names: c.79T>A, p.Cys27Ser (NM_001407616.1, NM_001407617.1, NM_001407618.1 and 192 more transcripts); c.-179T>A (NM_001407694.1, NM_001407724.1, NM_001407727.1 and 11 more transcripts); c.-183T>A (NM_001407695.1, NM_001408465.1); c.-324T>A (NM_001407696.1); c.-208T>A (NM_001407697.1, NM_001407846.1, NM_001407920.1); c.-9T>A (NM_001407698.1, NM_001407732.1, NM_001407736.1 and 23 more transcripts); c.-182T>A (NM_001407725.1, NM_001407730.1, NM_001407734.1 and 22 more transcripts); c.-128T>A (NM_001407726.1, NM_001407751.1); and 9 more; short protein forms C27S, W27R.
Identifiers: ClinVar variation 867749 (VCV000867749.3), dbSNP rs2055713838, ClinGen allele CA10602001.
Genomic context (GRCh38, chr17:43,124,018, plus strand): 5'-CATTTGCATAGGAGATAATCATAGGAATCCCAAATTAATACACTCTTGTGCTGACTTACC[A>T]GATGGGACACTCTAAGATTTTCTGCATAGCATTAATGACATTTTGTACTTCTTCAACGCG-3'
Protein context (NP_009225.1, residues 17-37): AMQKILECPI[Cys27Ser]LELIKEPVST

Conditions:
Breast-ovarian cancer, familial, susceptibility to, 1 (BROVCA1). Also called: BRCA1 Hereditary Breast and Ovarian Cancer; OVARIAN CANCER, SUSCEPTIBILITY TO. Identifiers: Orphanet 145, MedGen C2676676, MONDO:0011450, OMIM 604370. Disease mechanism: loss of function.

Submission:

Brotman Baty Institute, University of Washington
No classification provided (evidence only). Condition: Breast-ovarian cancer, familial 1. Review status: no classification provided. Collection method: in vitro. Allele origin: not applicable. Functional consequence: functionally_abnormal.
ClinVar note: "not provided" was previously submitted as the classification for the variant. However, the classification appeared to be based only on an observation of functional data so it was converted to no classification on 2025-07-30.